The following is an entry in ClinVar:

ClinVar aggregate classification (germline): Uncertain significance (1 of 4 stars; one submission).

Allele frequency attached by ClinVar (database versions not stated): TOPMed below 0.00001; ExAC 0.00001.

Submission:

Ambry Genetics
Classification: Uncertain significance. Last evaluated: 2023-08-30. Review status: criteria provided, single submitter. Criteria: Ambry Variant Classification Scheme 2023. Collection method: clinical testing. Allele origin: germline.
Comment: The p.M1741V variant (also known as c.5221A>G), located in coding exon 45 of the KIF1B gene, results from an A to G substitution at nucleotide position 5221. The methionine at codon 1741 is replaced by valine, an amino acid with highly similar properties. This amino acid position is conserved. In addition, this alteration is predicted to be tolerated by in silico analysis. Since supporting evidence is limited at this time, the clinical significance of this alteration remains unclear.

NM_001365951.3(KIF1B):c.5359A>G (p.Met1787Val)

Gene: KIF1B (kinesin family member 1B; plus strand). Cytogenetic location: 1p36.22.
Variant type: single nucleotide variant.
Coding change: c.5359A>G on transcript NM_001365951.3 (MANE Select); coding-DNA position 5359, A replaced by G.
Protein change: p.Met1787Val; replaces methionine 1787 with valine.
Molecular consequence: missense variant.
Genome position (GRCh38, 1-based): chr1:10,375,324, A>G. VCF-style: chr1-10375324-A-G. GRCh37 (hg19) VCF-style: chr1-10435382-A-G.
Other names: c.5359A>G, p.Met1787Val (NM_001365952.1); c.5221A>G, p.Met1741Val (NM_015074.3); short protein forms M1787V, M1741V.
Identifiers: ClinVar variation 2625742 (VCV002625742.2), dbSNP rs748281569, ClinGen allele CA582324.
Genomic context (GRCh38, chr1:10,375,324, plus strand): 5'-ACCTTTGCTGTCTGCACAAAGCACCGTGGGGTCCTTTTGCAGGCCCTCAATGACAAAGAC[A>G]TGAACGACTGGTTGTATGCCTTCAACCCACTTCTAGCTGGCACAATACGGTAAGAAGTTT-3'
Protein context (NP_001352880.1, residues 1777-1797): VLLQALNDKD[Met1787Val]NDWLYAFNPL